The following is an entry in ClinVar:

ClinVar aggregate classification (germline): Uncertain significance (1 of 4 stars; one submission).

Conditions:
Baller-Gerold syndrome (BGS). Also called: CRANIOSYNOSTOSIS WITH RADIAL DEFECTS. Identifiers: Orphanet 1225, MedGen C0265308, MONDO:0009039, OMIM 218600.

gnomAD v4.1: 1 of 1,607,026 alleles (0.000062%); highest among the groups gnomAD compares: Non-Finnish European, 0.000085%; no homozygotes.

Submission:

Labcorp Genetics (formerly Invitae), Labcorp
Classification: Uncertain significance for Baller-Gerold syndrome. Last evaluated: 2025-04-07. Review status: criteria provided, single submitter. Criteria: Invitae Variant Classification Sherloc (09022015). Collection method: clinical testing. Allele origin: germline.
Comment: This sequence change replaces histidine, which is basic and polar, with tyrosine, which is neutral and polar, at codon 1078 of the RECQL4 protein (p.His1078Tyr). This variant is not present in population databases (gnomAD no frequency). This variant has not been reported in the literature in individuals affected with RECQL4-related conditions. Invitae Evidence Modeling of protein sequence and biophysical properties (such as structural, functional, and spatial information, amino acid conservation, physicochemical variation, residue mobility, and thermodynamic stability) indicates that this missense variant is not expected to disrupt RECQL4 protein function with a negative predictive value of 80%. In summary, the available evidence is currently insufficient to determine the role of this variant in disease. Therefore, it has been classified as a Variant of Uncertain Significance.

NM_004260.4(RECQL4):c.3232C>T (p.His1078Tyr)

Gene: RECQL4 (RecQ like helicase 4; minus strand). Cytogenetic location: 8q24.3.
Variant type: single nucleotide variant.
Coding change: c.3232C>T on transcript NM_004260.4 (MANE Select); coding-DNA position 3232, C replaced by T.
Protein change: p.His1078Tyr; replaces histidine 1078 with tyrosine.
Molecular consequence: missense variant. On other transcripts: non-coding transcript variant (3).
Genome position (GRCh38, 1-based): chr8:144,512,148, G>A on the plus strand (C>T on the coding strand, the complement: RECQL4 is on the minus strand). VCF-style: chr8-144512148-G-A. GRCh37 (hg19) VCF-style: chr8-145737531-G-A.
Other names: c.2938C>T, p.His980Tyr (NM_001413017.1); c.3034C>T, p.His1012Tyr (NM_001413018.1); c.3307C>T, p.His1103Tyr (NM_001413019.1); c.3136C>T, p.His1046Tyr (NM_001413020.1); c.2161C>T, p.His721Tyr (NM_001413021.1, NM_001413022.1, NM_001413024.1 and 4 more transcripts); c.2236C>T, p.His746Tyr (NM_001413023.1); c.3103C>T, p.His1035Tyr (NM_001413025.1); c.2095C>T, p.His699Tyr (NM_001413027.1, NM_001413030.1, NM_001413032.1); and 9 more; short protein forms H1034Y, H1078Y, H1103Y, H655Y, H677Y, H746Y, H1035Y, H1046Y.
Identifiers: ClinVar variation 4741395 (VCV004741395.1).
Genomic context (GRCh38, chr8:144,512,148, plus strand): 5'-GAGCTGATCACTGCGGGAGGGTGGATGGTCCCAGGCCCCGCCCGCCTCCTCCCAACCTGT[G>A]AAAGGCCTGGAAGGTTCTGCGCAGACGGGCCAGGGCCTGGCGCTCCCGGGCCTGCACACG-3'
Protein context (NP_004251.4, residues 1068-1088): ARLRRTFQAF[His1078Tyr]SVAFPSCGPC